The following is an entry in ClinVar:

ClinVar aggregate classification (germline): Benign/Likely benign. Review status: criteria provided, multiple submitters, no conflicts (2 of 4 stars). 3 submissions from 3 submitters: Benign (1); Likely benign (2). Last evaluated 2024-10-17.

Conditions:
Hereditary cancer-predisposing syndrome. Also called: Neoplastic Syndromes, Hereditary; Tumor predisposition; Hereditary Cancer Syndrome; Hereditary neoplastic syndrome. Identifiers: Orphanet 140162, MedGen C0027672, MeSH D009386, MONDO:0015356.
Hereditary leiomyomatosis and renal cell cancer. Also called: MULTIPLE CUTANEOUS AND UTERINE LEIOMYOMATA 1, WITH OR WITHOUT RENAL CELL CARCINOMA; LEIOMYOMA, MULTIPLE CUTANEOUS; FH tumor predisposition syndrome; Reed syndrome; Multiple cutaneous and uterine leiomyomatosis; Cutaneous leiomyomata with uterine leiomyomata. Identifiers: Orphanet 523, MedGen C1708350, MONDO:0007888, OMIM 150800, HP:0007437. Disease mechanism: loss of function.

Allele frequency attached by ClinVar (database versions not stated): TOPMed below 0.00001.

Submissions (3):

Myriad Genetics, Inc.
Classification: Benign for Hereditary leiomyomatosis and renal cell cancer. Last evaluated: 2024-10-17. Review status: criteria provided, single submitter. Criteria: Myriad Autosomal Dominant, Autosomal Recessive and X-Linked Classification Criteria (2023). Collection method: clinical testing. Allele origin: unknown.
Comment: This variant is considered benign. This variant is a silent/synonymous amino acid change and it is not expected to impact splicing.

Labcorp Genetics (formerly Invitae), Labcorp
Classification: Likely benign. Last evaluated: 2023-11-15. Review status: criteria provided, single submitter. Criteria: Invitae Variant Classification Sherloc (09022015). Collection method: clinical testing. Allele origin: germline.

Ambry Genetics
Classification: Likely benign for Hereditary cancer-predisposing syndrome. Last evaluated: 2023-09-27. Review status: criteria provided, single submitter. Criteria: Ambry Variant Classification Scheme 2023. Collection method: clinical testing. Allele origin: germline.

NM_000143.4(FH):c.300G>A (p.Lys100=)

Gene: FH (fumarate hydratase; minus strand). Cytogenetic location: 1q43.
Variant type: single nucleotide variant.
Coding change: c.300G>A on transcript NM_000143.4 (MANE Select); coding-DNA position 300, G replaced by A.
Protein change: p.Lys100=; no amino-acid change (lysine 100 retained).
Molecular consequence: synonymous variant.
Genome position (GRCh38, 1-based): chr1:241,513,681, C>T on the plus strand (G>A on the coding strand, the complement: FH is on the minus strand). VCF-style: chr1-241513681-C-T. GRCh37 (hg19) VCF-style: chr1-241676981-C-T.
Identifiers: ClinVar variation 2744240 (VCV002744240.5), dbSNP rs1660147576, ClinGen allele CA424076492.